The following is an entry in ClinVar:

NM_000093.5(COL5A1):c.5476A>C (p.Lys1826Gln)

Genes: COL5A1 (collagen type V alpha 1 chain; plus strand), LOC101448202 (uncharacterized LOC101448202; minus strand). Cytogenetic location: 9q34.3.
Variant type: single nucleotide variant.
Coding change: c.5476A>C on transcript NM_000093.5 (MANE Select); coding-DNA position 5476, A replaced by C.
Protein change: p.Lys1826Gln; replaces lysine 1826 with glutamine.
Molecular consequence: missense variant.
Genome position (GRCh38, 1-based): chr9:134,842,262, A>C. VCF-style: chr9-134842262-A-C. GRCh37 (hg19) VCF-style: chr9-137734108-A-C.
Other names: c.5476A>C, p.Lys1826Gln (NM_001278074.1); short protein forms K1826Q.
Identifiers: ClinVar variation 1978671 (VCV001978671.4), dbSNP rs2490953370, ClinGen allele CA375462048.

ClinVar aggregate classification (germline): Uncertain significance (1 of 4 stars; one submission).

Conditions:
Ehlers-Danlos syndrome, classic type, 1 (EDSCL1). Also called: EHLERS-DANLOS SYNDROME, GRAVIS TYPE; EHLERS-DANLOS SYNDROME, SEVERE CLASSIC TYPE; Ehlers-Danlos syndrome, type 1; EDS I; Ehlers-Danlos Syndrome, Classic Type, COL5A1-Related. Identifiers: MedGen C0268335, MONDO:0019567, OMIM 130000.

Submission:

Labcorp Genetics (formerly Invitae), Labcorp
Classification: Uncertain significance for Ehlers-Danlos syndrome, classic type, 1. Last evaluated: 2022-09-09. Review status: criteria provided, single submitter. Criteria: Invitae Variant Classification Sherloc (09022015). Collection method: clinical testing. Allele origin: germline.
Comment: This sequence change replaces lysine, which is basic and polar, with glutamine, which is neutral and polar, at codon 1826 of the COL5A1 protein (p.Lys1826Gln). This variant is not present in population databases (gnomAD no frequency). This variant has not been reported in the literature in individuals affected with COL5A1-related conditions. Advanced modeling of protein sequence and biophysical properties (such as structural, functional, and spatial information, amino acid conservation, physicochemical variation, residue mobility, and thermodynamic stability) performed at Invitae indicates that this missense variant is not expected to disrupt COL5A1 protein function. In summary, the available evidence is currently insufficient to determine the role of this variant in disease. Therefore, it has been classified as a Variant of Uncertain Significance.